The following is an entry in ClinVar:

ClinVar aggregate classification (germline): Likely benign (1 of 4 stars; one submission).

gnomAD v4.1: 2,508 of 932,076 alleles (0.27%); highest among the groups gnomAD compares: African/African-American, 0.74%; 61 homozygotes.

Submission:

CeGaT Center for Human Genetics Tuebingen
Classification: Likely benign. Last evaluated: 2025-01-01. Review status: criteria provided, single submitter. Criteria: CeGaT Center For Human Genetics Tuebingen Variant Classification Criteria Version 2. Collection method: clinical testing. Allele origin: germline. Affected: yes. Observed: 5 variant alleles.
Comment: MUC4: BP4, BS2

NM_018406.7(MUC4):c.12037C>G (p.His4013Asp)

Gene: MUC4 (mucin 4, cell surface associated). Cytogenetic location: 3q29.
Variant type: single nucleotide variant.
Coding change: c.12037C>G on transcript NM_018406.7 (MANE Select); coding-DNA position 12037, C replaced by G.
Protein change: p.His4013Asp; replaces histidine 4013 with aspartic acid.
Molecular consequence: missense variant. On other transcripts: intron variant (2).
Genome position (GRCh38, 1-based): chr3:195,779,543, G>C on the plus strand (C>G on the coding strand, the complement: MUC4 is on the minus strand). VCF-style: chr3-195779543-G-C. GRCh37 (hg19) VCF-style: chr3-195506414-G-C.
Other names: c.83-5238C>G (NM_138297.5); c.83-1088C>G (NM_004532.6); short protein forms H4013D.
Identifiers: ClinVar variation 3388393 (VCV003388393.14).